The following is an entry in ClinVar:

NM_000116.5(TAFAZZIN):c.370+2T>A

Gene: TAFAZZIN (tafazzin, phospholipid-lysophospholipid transacylase; plus strand). Cytogenetic location: Xq28.
Variant type: single nucleotide variant.
Coding change: c.370+2T>A on transcript NM_000116.5 (MANE Select); the canonical splice donor site of the intron after coding-DNA position 370, T replaced by A.
Molecular consequence: splice donor variant.
Genome position (GRCh38, 1-based): chrX:154,413,569, T>A. VCF-style: chrX-154413569-T-A. GRCh37 (hg19) VCF-style: chrX-153641906-T-A.
Other names: c.424+2T>A (NM_001303465.2, NM_001410698.1); c.370+2T>A (NM_181312.4, NM_181311.4, NM_181313.4).
Identifiers: ClinVar variation 1967898 (VCV001967898.5), dbSNP rs2522943654, ClinGen allele CA415182163.

ClinVar aggregate classification (germline): Uncertain significance (1 of 4 stars; one submission).

Conditions:
3-Methylglutaconic aciduria type 2 (BTHS). Also called: CARDIOSKELETAL MYOPATHY WITH NEUTROPENIA AND ABNORMAL MITOCHONDRIA; Barth syndrome. Identifiers: Orphanet 111, MedGen C0574083, MONDO:0010543, OMIM 302060.

Submission:

Labcorp Genetics (formerly Invitae), Labcorp
Classification: Uncertain significance for 3-Methylglutaconic aciduria type 2. Last evaluated: 2021-08-30. Review status: criteria provided, single submitter. Criteria: Invitae Variant Classification Sherloc (09022015). Collection method: clinical testing. Allele origin: germline.
Comment: This sequence change affects a donor splice site in intron 4 of the TAZ gene. Alternative splicing of the TAZ gene results in a functional isoform lacking exon 5 (delta5) in multiple human tissues (PMID: 19619503, 24342716, 12930833, 19700766). However, it is currently unclear if variants that occur in this region of the gene cause disease. This variant is not present in population databases (ExAC no frequency). This variant has not been reported in the literature in individuals affected with TAZ-related conditions. Experimental studies and prediction algorithms are not available or were not evaluated, and the effect of this variant on mRNA splicing is currently unknown. In summary, the available evidence is currently insufficient to determine the role of this variant in disease. Therefore, it has been classified as a Variant of Uncertain Significance.

Literature cited by the submitters: PubMed 19619503; PubMed 24342716; PubMed 12930833; PubMed 19700766.